The following is an entry in ClinVar:

ClinVar aggregate classification (germline): Benign/Likely benign. Review status: criteria provided, multiple submitters, no conflicts (2 of 4 stars). 4 submissions from 4 submitters: Benign (3); Likely benign (1). Last evaluated 2026-01-20.

Conditions:
Microcephaly 2, primary, autosomal recessive, with or without cortical malformations. Also called: WDR62 Primary Microcephaly; MICROCEPHALY 2, PRIMARY, AUTOSOMAL RECESSIVE, WITH CORTICAL MALFORMATIONS. Identifiers: Orphanet 2512, MedGen C1858535, MONDO:0011435, OMIM 604317.

Allele frequency attached by ClinVar (database versions not stated): 1000 Genomes Project 0.01058; 1000 Genomes Project 30x 0.01140; ESP Exome Variant Server 0.01184.

Submissions (4):

Labcorp Genetics (formerly Invitae), Labcorp
Classification: Benign. Last evaluated: 2026-01-20. Review status: criteria provided, single submitter. Criteria: Invitae Variant Classification Sherloc (09022015). Collection method: clinical testing. Allele origin: germline.

Genome-Nilou Lab
Classification: Benign for Microcephaly 2, primary, autosomal recessive, with or without cortical malformations. Last evaluated: 2021-12-05. Review status: criteria provided, single submitter. Criteria: ACMG Guidelines, 2015. Collection method: clinical testing. Allele origin: germline. Affected: no.

GeneDx
Classification: Likely benign. Last evaluated: 2019-08-21. Review status: criteria provided, single submitter. Criteria: GeneDx Variant Classification Process June 2021. Collection method: clinical testing. Allele origin: germline. Affected: yes.

Illumina Laboratory Services, Illumina
Classification: Benign for Microcephaly 2, primary, autosomal recessive, with or without cortical malformations. Last evaluated: 2018-01-12. Review status: criteria provided, single submitter. Criteria: ICSL Variant Classification Criteria 13 December 2019. Collection method: clinical testing. Allele origin: germline.
Comment: This variant was observed in the ICSL laboratory as part of a predisposition screen in an ostensibly healthy population. It had not been previously curated by ICSL or reported in the Human Gene Mutation Database (HGMD: prior to June 1st, 2018), and was therefore a candidate for classification through an automated scoring system. Utilizing variant allele frequency, disease prevalence and penetrance estimates, and inheritance mode, an automated score was calculated to assess if this variant is too frequent to cause the disease. Based on the score and internal cut-off values, a variant classified as benign is not then subjected to further curation. The score for this variant resulted in a classification of benign for this disease.

NM_001083961.2(WDR62):c.1233+11C>A

Gene: WDR62 (WD repeat domain 62; plus strand). Cytogenetic location: 19q13.12.
Variant type: single nucleotide variant.
Coding change: c.1233+11C>A on transcript NM_001083961.2 (MANE Select); 11 bases into the intron after coding-DNA position 1233, C replaced by A.
Molecular consequence: intron variant.
Genome position (GRCh38, 1-based): chr19:36,073,542, C>A. VCF-style: chr19-36073542-C-A. GRCh37 (hg19) VCF-style: chr19-36564444-C-A.
Other names: c.1233+11C>A (NM_173636.5).
Identifiers: ClinVar variation 890996 (VCV000890996.15), dbSNP rs116050630, ClinGen allele CA9395520.